The following is an entry in ClinVar:

ClinVar aggregate classification (germline): Conflicting classifications of pathogenicity. Review status: criteria provided, conflicting classifications (1 of 4 stars). 3 submissions from 3 submitters: Uncertain significance (1); Likely benign (2). Last evaluated 2025-12-16.

Conditions:
Hereditary insensitivity to pain with anhidrosis (CIPA). Also called: INSENSITIVITY TO PAIN, CONGENITAL, WITH ANHIDROSIS; HSAN Type IV; NTRK1 Congenital Insensitivity to Pain with Anhidrosis; FAMILIAL DYSAUTONOMIA, TYPE II; NEUROPATHY, CONGENITAL SENSORY, WITH ANHIDROSIS; hereditary sensory and autonomic neuropathy type 4. Identifiers: Orphanet 642, MedGen C0020074, MONDO:0009746, OMIM 256800.
NTRK1-related disorder. Also called: NTRK1-related condition.

Allele frequency attached by ClinVar (database versions not stated): ExAC below 0.00001; gnomAD exomes 0.00003 and 0.00004; TOPMed 0.00004; gnomAD 0.00005 and 0.00006.
gnomAD v4.1: 60 of 1,554,776 alleles (0.0039%); highest among the groups gnomAD compares: Middle Eastern, 0.081%; no homozygotes.

Submissions (3):

Labcorp Genetics (formerly Invitae), Labcorp
Classification: Likely benign for Hereditary insensitivity to pain with anhidrosis. Last evaluated: 2025-12-16. Review status: criteria provided, single submitter. Criteria: Invitae Variant Classification Sherloc (09022015). Collection method: clinical testing. Allele origin: germline.

PreventionGenetics, part of Exact Sciences
Classification: Likely benign for NTRK1-related condition. Last evaluated: 2025-11-14. Review status: criteria provided, single submitter. Criteria: ACMG Guidelines, 2015. Collection method: clinical testing. Allele origin: germline.
Comment: This variant is classified as likely benign based on ACMG/AMP sequence variant interpretation guidelines (Richards et al. 2015 PMID: 25741868, with internal and published modifications).

Illumina Laboratory Services, Illumina
Classification: Uncertain significance for Hereditary insensitivity to pain with anhidrosis. Last evaluated: 2018-01-13. Review status: criteria provided, single submitter. Criteria: ICSL Variant Classification Criteria 13 December 2019. Collection method: clinical testing. Allele origin: germline.

NM_002529.4(NTRK1):c.575-15G>A

Gene: NTRK1 (neurotrophic receptor tyrosine kinase 1; plus strand). Cytogenetic location: 1q23.1.
Variant type: single nucleotide variant.
Coding change: c.575-15G>A on transcript NM_002529.4 (MANE Select); 15 bases into the intron before coding-DNA position 575, G replaced by A.
Molecular consequence: intron variant.
Genome position (GRCh38, 1-based): chr1:156,868,490, G>A. VCF-style: chr1-156868490-G-A. GRCh37 (hg19) VCF-style: chr1-156838282-G-A.
Other names: c.575-15G>A (NM_002529.3, NM_001012331.2); c.485-15G>A (NM_001007792.1).
Identifiers: ClinVar variation 873752 (VCV000873752.14), dbSNP rs762788551, ClinGen allele CA1169047.